The following is an entry in ClinVar:

ClinVar aggregate classification (germline): Uncertain significance (1 of 4 stars; one submission).

Conditions:
Infantile-onset ascending hereditary spastic paralysis (IAHSP). Also called: Autosomal Recessive Juvenile Amyotrophic Lateral Sclerosis; Infantile-Onset Ascending Hereditary Spastic Paralysis (IAHSP). Identifiers: Orphanet 293168, MedGen C2931441, MONDO:0011797, OMIM 607225. Disease mechanism: loss of function.

Allele frequency attached by ClinVar (database versions not stated): gnomAD exomes below 0.00001 and 0.00001; TOPMed 0.00001; gnomAD 0.00003.
gnomAD v4.1: 28 of 1,613,980 alleles (0.0017%); highest among the groups gnomAD compares: Non-Finnish European, 0.0019%; no homozygotes.

Submission:

Labcorp Genetics (formerly Invitae), Labcorp
Classification: Uncertain significance for Infantile-onset ascending hereditary spastic paralysis. Last evaluated: 2022-06-04. Review status: criteria provided, single submitter. Criteria: Invitae Variant Classification Sherloc (09022015). Collection method: clinical testing. Allele origin: germline.
Comment: In summary, the available evidence is currently insufficient to determine the role of this variant in disease. Therefore, it has been classified as a Variant of Uncertain Significance. Variants that disrupt the consensus splice site are a relatively common cause of aberrant splicing (PMID: 17576681, 9536098). Algorithms developed to predict the effect of sequence changes on RNA splicing suggest that this variant is not likely to affect RNA splicing. ClinVar contains an entry for this variant (Variation ID: 582733). This variant has been observed in individual(s) with clinical features of ALS2-related conditions (Invitae). This variant is present in population databases (no rsID available, gnomAD 0.0009%). This sequence change falls in intron 9 of the ALS2 gene. It does not directly change the encoded amino acid sequence of the ALS2 protein. It affects a nucleotide within the consensus splice site.

Literature cited by the submitters: PubMed 17576681; PubMed 9536098.

NM_020919.4(ALS2):c.1998+6C>G

Gene: ALS2 (alsin Rho guanine nucleotide exchange factor ALS2; minus strand). Cytogenetic location: 2q33.1.
Variant type: single nucleotide variant.
Coding change: c.1998+6C>G on transcript NM_020919.4 (MANE Select); 6 bases into the intron after coding-DNA position 1998, C replaced by G.
Molecular consequence: intron variant.
Genome position (GRCh38, 1-based): chr2:201,746,560, G>C on the plus strand (C>G on the coding strand, the complement: ALS2 is on the minus strand). VCF-style: chr2-201746560-G-C. GRCh37 (hg19) VCF-style: chr2-202611283-G-C.
Identifiers: ClinVar variation 582733 (VCV000582733.8), dbSNP rs1359989080, ClinGen allele CA539386727.
Genomic context (GRCh38, chr2:201,746,560, plus strand): 5'-AAAACAAAAACAAAAGACTTCTTATGTGTTACTGAATGTGGGCCTTAGGATCCAATTCCT[G>C]TTCACCTTACTACAGGAGAGAAGTACTGGAGTCTTAGAACCACTGTGATTCTCTGGAAGG-3'